The following is an entry in ClinVar:

NM_024685.4(BBS10):c.390C>T (p.Ser130=)

Gene: BBS10 (Bardet-Biedl syndrome 10; minus strand). Cytogenetic location: 12q21.2.
Variant type: single nucleotide variant.
Coding change: c.390C>T on transcript NM_024685.4 (MANE Select); coding-DNA position 390, C replaced by T.
Protein change: p.Ser130=; no amino-acid change (serine 130 retained).
Molecular consequence: synonymous variant.
Genome position (GRCh38, 1-based): chr12:76,347,595, G>A on the plus strand (C>T on the coding strand, the complement: BBS10 is on the minus strand). VCF-style: chr12-76347595-G-A. GRCh37 (hg19) VCF-style: chr12-76741375-G-A.
Other names: c.390C>T (NM_024685.3).
Identifiers: ClinVar variation 2101236 (VCV002101236.5), dbSNP rs2540957007, ClinGen allele CA481011862.

ClinVar aggregate classification (germline): Likely benign. Review status: criteria provided, multiple submitters, no conflicts (2 of 4 stars). 2 submissions from 2 submitters: Likely benign (2). Last evaluated 2026-04-02.

Conditions:
BBS10-related disorder. Also called: BBS10-related condition.
Bardet-Biedl syndrome (BBS). Identifiers: Orphanet 110, MedGen C0752166, MONDO:0015229.

Allele frequency attached by ClinVar (database versions not stated): gnomAD exomes below 0.00001.
gnomAD v4.1: 3 of 1,612,628 alleles (0.00019%); highest among the groups gnomAD compares: African/African-American, 0.0027%; no homozygotes.

Submissions (2):

PreventionGenetics, part of Exact Sciences
Classification: Likely benign for BBS10-related condition. Last evaluated: 2026-04-02. Review status: criteria provided, single submitter. Criteria: ACMG Guidelines, 2015. Collection method: clinical testing. Allele origin: germline.
Comment: This variant is classified as likely benign based on ACMG/AMP sequence variant interpretation guidelines (Richards et al. 2015 PMID: 25741868, with internal and published modifications).

Labcorp Genetics (formerly Invitae), Labcorp
Classification: Likely benign for Bardet-Biedl syndrome. Last evaluated: 2023-11-21. Review status: criteria provided, single submitter. Criteria: Invitae Variant Classification Sherloc (09022015). Collection method: clinical testing. Allele origin: germline.